The following is an entry in ClinVar:

NM_001943.5(DSG2):c.3181T>A (p.Tyr1061Asn)

Genes: DSG2 (desmoglein 2; plus strand), DSG2-AS1 (DSG2 antisense RNA 1; minus strand). Cytogenetic location: 18q12.1.
Variant type: single nucleotide variant.
Coding change: c.3181T>A on transcript NM_001943.5 (MANE Select); coding-DNA position 3181, T replaced by A.
Protein change: p.Tyr1061Asn; replaces tyrosine 1061 with asparagine.
Molecular consequence: missense variant.
Genome position (GRCh38, 1-based): chr18:31,546,567, T>A. VCF-style: chr18-31546567-T-A. GRCh37 (hg19) VCF-style: chr18-29126530-T-A.
Other names: short protein forms Y1061N.
Identifiers: ClinVar variation 924567 (VCV000924567.6), dbSNP rs2073312753, ClinGen allele CA402148819.

ClinVar aggregate classification (germline): Uncertain significance. Review status: criteria provided, multiple submitters, no conflicts (2 of 4 stars). 2 submissions from 2 submitters: Uncertain significance (2). Last evaluated 2024-03-07.

Conditions:
Cardiomyopathy (CMYO). Also called: Cardiomyopathies. Identifiers: Orphanet 167848, MedGen C0878544, MONDO:0004994, HP:0001638. Inheritance: Various modes of inheritance.
Arrhythmogenic right ventricular cardiomyopathy (ARVD). Also called: Arrhythmogenic cardiomyopathy; Cardiomyopathy, ARVC; Arrhythmogenic right ventricular dysplasia; Arrhythmogenic Right Ventricular Cardiomyopathy (ARVC). Identifiers: Orphanet 247, MedGen C0349788, MeSH D019571, MONDO:0016587. Disease mechanism: loss of function. Inheritance: Various modes of inheritance.

Allele frequency attached by ClinVar (database versions not stated): gnomAD exomes below 0.00001.
gnomAD v4.1: 1 of 1,614,220 alleles (0.000062%); highest among the groups gnomAD compares: Non-Finnish European, 0.000085%; no homozygotes.

Submissions (2):

Color Diagnostics, LLC DBA Color Health
Classification: Uncertain significance for Cardiomyopathy. Last evaluated: 2024-03-07. Review status: criteria provided, single submitter. Criteria: ACMG Guidelines, 2015. Collection method: clinical testing. Allele origin: germline.
Comment: This missense variant replaces tyrosine with asparagine at codon 1061 of the DSG2 protein. Computational prediction suggests that this variant may not impact protein structure and function (internally defined REVEL score threshold <= 0.5, PMID: 27666373). To our knowledge, functional studies have not been reported for this variant. This variant has not been reported in individuals affected with cardiovascular disorders in the literature. This variant has not been identified in the general population by the Genome Aggregation Database (gnomAD). The available evidence is insufficient to determine the role of this variant in disease conclusively. Therefore, this variant is classified as a Variant of Uncertain Significance.

All of Us Research Program, National Institutes of Health
Classification: Uncertain significance for Arrhythmogenic right ventricular cardiomyopathy. Last evaluated: 2023-12-13. Review status: criteria provided, single submitter. Criteria: ACMG Guidelines, 2015. Collection method: clinical testing. Allele origin: germline. Inheritance: Autosomal dominant inheritance. Observed: 1 variant allele, 1 heterozygote.
Comment: This missense variant replaces tyrosine with asparagine at codon 1061 of the DSG2 protein. Computational prediction suggests that this variant may not impact protein structure and function (internally defined REVEL score threshold <= 0.5, PMID: 27666373). Splice site prediction tools suggest that this variant may not impact RNA splicing. To our knowledge, functional studies have not been performed for this variant. This variant has not been reported in individuals affected with cardiovascular disorders in the literature. This variant has not been identified in the general population by the Genome Aggregation Database (gnomAD). The available evidence is insufficient to determine the role of this variant in disease conclusively. Therefore, this variant is classified as a Variant of Uncertain Significance.

This study involves interpretation of variants in research participants for the purpose of population health screening. Participant phenotype was not available at the time of variant classification. Additional details can be found in publication PMID: 35346344, PMCID: PMC8962531